The following is an entry in ClinVar:

ClinVar aggregate classification (germline): Uncertain significance. Review status: criteria provided, multiple submitters, no conflicts (2 of 4 stars). 2 submissions from 2 submitters: Uncertain significance (2). Last evaluated 2025-11-17.

Conditions:
Hereditary cancer-predisposing syndrome. Also called: Hereditary Cancer Syndrome; Hereditary neoplastic syndrome; Neoplastic Syndromes, Hereditary; Tumor predisposition. Identifiers: Orphanet 140162, MedGen C0027672, MeSH D009386, MONDO:0015356.

gnomAD v4.1: 1 of 1,612,534 alleles (0.000062%); no homozygotes.

Submissions (2):

Ambry Genetics
Classification: Uncertain significance for Hereditary cancer-predisposing syndrome. Last evaluated: 2025-11-17. Review status: criteria provided, single submitter. Criteria: Ambry Variant Classification Scheme 2023. Collection method: clinical testing. Allele origin: germline.
Comment: The p.E345Q variant (also known as c.1033G>C), located in coding exon 7 of the RAD50 gene, results from a G to C substitution at nucleotide position 1033. The glutamic acid at codon 345 is replaced by glutamine, an amino acid with highly similar properties. This amino acid position is well conserved in available vertebrate species. In addition, this alteration is predicted to be tolerated by in silico analysis. Since supporting evidence is limited at this time, the clinical significance of this alteration remains unclear.

Labcorp Genetics (formerly Invitae), Labcorp
Classification: Uncertain significance for Hereditary cancer-predisposing syndrome. Last evaluated: 2023-07-14. Review status: criteria provided, single submitter. Criteria: Invitae Variant Classification Sherloc (09022015). Collection method: clinical testing. Allele origin: germline.
Comment: In summary, the available evidence is currently insufficient to determine the role of this variant in disease. Therefore, it has been classified as a Variant of Uncertain Significance. Advanced modeling of protein sequence and biophysical properties (such as structural, functional, and spatial information, amino acid conservation, physicochemical variation, residue mobility, and thermodynamic stability) performed at Invitae indicates that this missense variant is not expected to disrupt RAD50 protein function. ClinVar contains an entry for this variant (Variation ID: 1771928). This variant has not been reported in the literature in individuals affected with RAD50-related conditions. This variant is not present in population databases (gnomAD no frequency). This sequence change replaces glutamic acid, which is acidic and polar, with glutamine, which is neutral and polar, at codon 345 of the RAD50 protein (p.Glu345Gln).

NM_005732.4(RAD50):c.1033G>C (p.Glu345Gln)

Gene: RAD50 (RAD50 double strand break repair protein; plus strand). Cytogenetic location: 5q31.1.
Variant type: single nucleotide variant.
Coding change: c.1033G>C on transcript NM_005732.4 (MANE Select); coding-DNA position 1033, G replaced by C.
Protein change: p.Glu345Gln; replaces glutamic acid 345 with glutamine.
Molecular consequence: missense variant.
Genome position (GRCh38, 1-based): chr5:132,588,071, G>C. VCF-style: chr5-132588071-G-C. GRCh37 (hg19) VCF-style: chr5-131923763-G-C.
Other names: short protein forms E345Q.
Identifiers: ClinVar variation 1771928 (VCV001771928.10), dbSNP rs2479632937, ClinGen allele CA360941628.
Genomic context (GRCh38, chr5:132,588,071, plus strand): 5'-TGTCATCGTGAACTGGAAAAACTAAATAAAGAATCTAGGCTTCTCAATCAGGAAAAATCA[G>C]AACTGCTTGTTGAACAGGGTAGGACAAAATGTTTATTTGGTCGTTTTTCCTACTATGATG-3'
Protein context (NP_005723.2, residues 335-355): ESRLLNQEKS[Glu345Gln]LLVEQGRLQL